The following is an entry in ClinVar:

NM_052947.4(ALPK2):c.2524C>G (p.Leu842Val)

Gene: ALPK2 (alpha kinase 2; minus strand). Cytogenetic location: 18q21.31.
Variant type: single nucleotide variant.
Coding change: c.2524C>G on transcript NM_052947.4 (MANE Select); coding-DNA position 2524, C replaced by G.
Protein change: p.Leu842Val; replaces leucine 842 with valine.
Molecular consequence: missense variant.
Genome position (GRCh38, 1-based): chr18:58,537,663, G>C on the plus strand (C>G on the coding strand, the complement: ALPK2 is on the minus strand). VCF-style: chr18-58537663-G-C. GRCh37 (hg19) VCF-style: chr18-56204895-G-C.
Other names: short protein forms L842V.
Identifiers: ClinVar variation 1792577 (VCV001792577.2), dbSNP rs1459542750, ClinGen allele CA402570344.

ClinVar aggregate classification (germline): Uncertain significance (1 of 4 stars; one submission).

Submission:

Ambry Genetics
Classification: Uncertain significance. Last evaluated: 2022-04-26. Review status: criteria provided, single submitter. Criteria: Ambry Variant Classification Scheme 2023. Collection method: clinical testing. Allele origin: germline.
Comment: The p.L842V variant (also known as c.2524C>G), located in coding exon 4 of the ALPK2 gene, results from a C to G substitution at nucleotide position 2524. The leucine at codon 842 is replaced by valine, an amino acid with highly similar properties. This amino acid position is conserved. In addition, this alteration is predicted to be tolerated by in silico analysis. Since supporting evidence is limited at this time, the clinical significance of this alteration remains unclear.